The following is an entry in ClinVar:

NM_013450.4(BAZ2B):c.3215A>C (p.Lys1072Thr)

Gene: BAZ2B (bromodomain adjacent to zinc finger domain 2B; minus strand). Cytogenetic location: 2q24.2.
Variant type: single nucleotide variant.
Coding change: c.3215A>C on transcript NM_013450.4 (MANE Select); coding-DNA position 3215, A replaced by C.
Protein change: p.Lys1072Thr; replaces lysine 1072 with threonine.
Molecular consequence: missense variant.
Genome position (GRCh38, 1-based): chr2:159,389,346, T>G on the plus strand (A>C on the coding strand, the complement: BAZ2B is on the minus strand). VCF-style: chr2-159389346-T-G. GRCh37 (hg19) VCF-style: chr2-160245857-T-G.
Other names: c.3107A>C, p.Lys1036Thr (NM_001289975.1); c.3053A>C, p.Lys1018Thr (NM_001329857.2); c.3140A>C, p.Lys1047Thr (NM_001329858.2); short protein forms K1018T, K1036T, K1047T, K1072T.
Identifiers: ClinVar variation 3340900 (VCV003340900.2).

ClinVar aggregate classification (germline): Uncertain significance (1 of 4 stars; one submission).

gnomAD v4.1: 5 of 1,582,386 alleles (0.00032%); highest among the groups gnomAD compares: African/African-American, 0.0069%; no homozygotes.

Submission:

GeneDx
Classification: Uncertain significance. Last evaluated: 2024-12-11. Review status: criteria provided, single submitter. Criteria: GeneDx Variant Classification Process June 2021. Collection method: clinical testing. Allele origin: germline.
Comment: Not observed at significant frequency in large population cohorts (gnomAD); In silico analysis supports that this missense variant has a deleterious effect on protein structure/function; Has not been previously published as pathogenic or benign to our knowledge